The following is an entry in ClinVar:

ClinVar aggregate classification (germline): Likely pathogenic. Review status: criteria provided, multiple submitters, no conflicts (2 of 4 stars). 2 submissions from 2 submitters: Likely pathogenic (2). Last evaluated 2025-07-01.

Conditions:
Pyridoxine-dependent epilepsy (EPEO4). Also called: PYRIDOXINE DEPENDENCY WITH SEIZURES; Pyridoxine-Dependent Seizures; EPILEPSY, EARLY-ONSET, 4, VITAMIN B6-DEPENDENT; Pyridoxine-Dependent Epilepsy - ALDH7A1. Identifiers: Orphanet 3006, MedGen C1849508, MONDO:0009945, OMIM 266100. Disease mechanism: loss of function.

Submissions (2):

CeGaT Center for Human Genetics Tuebingen
Classification: Likely pathogenic. Last evaluated: 2025-07-01. Review status: criteria provided, single submitter. Criteria: CeGaT Center For Human Genetics Tuebingen Variant Classification Criteria Version 2. Collection method: clinical testing. Allele origin: germline. Affected: yes. Observed: 1 variant allele.
Comment: ALDH7A1: PM2, PM3, PP3, PP4

Women's Health and Genetics/Laboratory Corporation of America, LabCorp
Classification: Likely pathogenic for Pyridoxine-dependent epilepsy. Last evaluated: 2024-07-22. Review status: criteria provided, single submitter. Criteria: LabCorp Variant Classification Summary - May 2015. Collection method: clinical testing. Allele origin: germline.
Comment: Variant summary: ALDH7A1 c.1370G>T (p.Ser457Ile) results in a non-conservative amino acid change located in the Aldehyde dehydrogenase domain (IPR015590) of the encoded protein sequence. Five of five in-silico tools predict a damaging effect of the variant on protein function. The variant was absent in 251262 control chromosomes. c.1370G>T has been reported in the literature as homozygous genotype in multiple individuals affected with Pyridoxine-Dependent Epilepsy (Coughlin_2019, van Karnebeek2016). These data indicate that the variant is very likely to be associated with disease. To our knowledge, no experimental evidence demonstrating an impact on protein function has been reported. The following publications have been ascertained in the context of this evaluation (PMID: 30043187, 26995068). No submitters have cited clinical-significance assessments for this variant to ClinVar. Based on the evidence outlined above, the variant was classified as likely pathogenic.

Literature cited by the submitters: PubMed 30043187 (cited by Women's Health and Genetics/Laboratory Corporation of America, LabCorp); PubMed 26995068 (cited by Women's Health and Genetics/Laboratory Corporation of America, LabCorp).

NM_001182.5(ALDH7A1):c.1370G>T (p.Ser457Ile)

Gene: ALDH7A1 (aldehyde dehydrogenase 7 family member A1; minus strand). Cytogenetic location: 5q23.2.
Variant type: single nucleotide variant.
Coding change: c.1370G>T on transcript NM_001182.5 (MANE Select); coding-DNA position 1370, G replaced by T.
Protein change: p.Ser457Ile; replaces serine 457 with isoleucine.
Molecular consequence: missense variant.
Genome position (GRCh38, 1-based): chr5:126,550,241, C>A on the plus strand (G>T on the coding strand, the complement: ALDH7A1 is on the minus strand). VCF-style: chr5-126550241-C-A. GRCh37 (hg19) VCF-style: chr5-125885933-C-A.
Other names: c.1286G>T, p.Ser429Ile (NM_001201377.2); c.1178G>T, p.Ser393Ile (NM_001202404.2); short protein forms S393I, S429I, S457I.
Identifiers: ClinVar variation 3339413 (VCV003339413.9).